The following is an entry in ClinVar:

ClinVar aggregate classification (germline): Likely benign (1 of 4 stars; one submission).

Allele frequency attached by ClinVar (database versions not stated): ExAC 0.00002; gnomAD 0.00005 and 0.00006; gnomAD exomes 0.00005; TOPMed 0.00006.
gnomAD v4.1: 112 of 1,606,488 alleles (0.007%); highest among the groups gnomAD compares: Non-Finnish European, 0.0091%; no homozygotes.

Submission:

GeneDx
Classification: Likely benign. Last evaluated: 2018-03-16. Review status: criteria provided, single submitter. Criteria: GeneDx Variant Classification (06012015). Collection method: clinical testing. Allele origin: germline. Affected: yes.
Comment: This variant is considered likely benign or benign based on one or more of the following criteria: it is a conservative change, it occurs at a poorly conserved position in the protein, it is predicted to be benign by multiple in silico algorithms, and/or has population frequency not consistent with disease.

NM_005050.4(ABCD4):c.-22A>G

Gene: ABCD4 (ATP binding cassette subfamily D member 4; minus strand). Cytogenetic location: 14q24.3.
Variant type: single nucleotide variant.
Coding change: c.-22A>G on transcript NM_005050.4 (MANE Select); 22 bases upstream of the start codon, A replaced by G.
Molecular consequence: 5 prime UTR variant. On other transcripts: non-coding transcript variant (10).
Genome position (GRCh38, 1-based): chr14:74,302,934, T>C on the plus strand (A>G on the coding strand, the complement: ABCD4 is on the minus strand). VCF-style: chr14-74302934-T-C. GRCh37 (hg19) VCF-style: chr14-74769637-T-C.
Other names: c.-22A>G (NM_001353591.2, NM_001353592.2, NM_020325.3); c.-164A>G (NM_001353593.2, NM_001353594.2); c.-431A>G (NM_001353595.2); c.-303A>G (NM_001353596.2, NM_001353597.2); c.-252A>G (NM_001353598.2); c.-359A>G (NM_001353599.2, NM_020324.3); c.-371A>G (NM_001353600.2); c.-231A>G (NM_001353601.2); and 6 more.
Identifiers: ClinVar variation 509312 (VCV000509312.1), dbSNP rs754003784, ClinGen allele CA7267391.